The following is an entry in ClinVar:

NM_000094.4(COL7A1):c.2050+16C>T

Gene: COL7A1 (collagen type VII alpha 1 chain; minus strand). Cytogenetic location: 3p21.31.
Variant type: single nucleotide variant.
Coding change: c.2050+16C>T on transcript NM_000094.4 (MANE Select); 16 bases into the intron after coding-DNA position 2050, C replaced by T.
Molecular consequence: intron variant.
Genome position (GRCh38, 1-based): chr3:48,590,197, G>A on the plus strand (C>T on the coding strand, the complement: COL7A1 is on the minus strand). VCF-style: chr3-48590197-G-A. GRCh37 (hg19) VCF-style: chr3-48627630-G-A.
Identifiers: ClinVar variation 517836 (VCV000517836.5), dbSNP rs749425003, ClinGen allele CA73989407.

ClinVar aggregate classification (germline): Benign/Likely benign. Review status: criteria provided, multiple submitters, no conflicts (2 of 4 stars). 3 submissions from 3 submitters: Benign (1); Likely benign (2). Last evaluated 2025-08-10.

Allele frequency attached by ClinVar (database versions not stated): TOPMed below 0.00001; gnomAD 0.00001; gnomAD exomes 0.00001.
gnomAD v4.1: 17 of 1,610,102 alleles (0.0011%); highest among the groups gnomAD compares: Middle Eastern, 0.017%; no homozygotes.

Submissions (3):

Labcorp Genetics (formerly Invitae), Labcorp
Classification: Likely benign. Last evaluated: 2025-08-10. Review status: criteria provided, single submitter. Criteria: Invitae Variant Classification Sherloc (09022015). Collection method: clinical testing. Allele origin: germline.

Blueprint Genetics
Classification: Likely benign. Last evaluated: 2024-02-27. Review status: criteria provided, single submitter. Criteria: ACMG Guidelines, 2015. Collection method: clinical testing. Allele origin: germline.

GeneDx
Classification: Benign. Last evaluated: 2015-07-20. Review status: criteria provided, single submitter. Criteria: GeneDx Variant Classification (06012015). Collection method: clinical testing. Allele origin: germline. Affected: yes.
Comment: This variant is considered likely benign or benign based on one or more of the following criteria: it is a conservative change, it occurs at a poorly conserved position in the protein, it is predicted to be benign by multiple in silico algorithms, and/or has population frequency not consistent with disease.